The following is an entry in ClinVar:

ClinVar aggregate classification (germline): Benign (1 of 4 stars; one submission).

Conditions:
BAP1-related tumor predisposition syndrome (TPDS1). Also called: BAP1 tumor predisposition syndrome; Tumor susceptibility linked to germline BAP1 mutations; COMMON Syndrome; TUMOR PREDISPOSITION SYNDROME 1. Identifiers: Orphanet 289539, MedGen C3280492, MONDO:0013692, OMIM 614327.

gnomAD v4.1: 1 of 1,613,694 alleles (0.000062%); no homozygotes.

Submission:

Myriad Genetics, Inc.
Classification: Benign for BAP1-related tumor predisposition syndrome. Last evaluated: 2024-07-15. Review status: criteria provided, single submitter. Criteria: Myriad Autosomal Dominant, Autosomal Recessive and X-Linked Classification Criteria (2023). Collection method: clinical testing. Allele origin: unknown.
Comment: This variant is considered benign. This variant is a silent/synonymous amino acid change and it is not expected to impact splicing.

NM_004656.4(BAP1):c.1131G>T (p.Leu377=)

Gene: BAP1 (BRCA1 associated deubiquitinase 1; minus strand). Cytogenetic location: 3p21.1.
Variant type: single nucleotide variant.
Coding change: c.1131G>T on transcript NM_004656.4 (MANE Select); coding-DNA position 1131, G replaced by T.
Protein change: p.Leu377=; no amino-acid change (leucine 377 retained).
Molecular consequence: synonymous variant.
Genome position (GRCh38, 1-based): chr3:52,404,572, C>A on the plus strand (G>T on the coding strand, the complement: BAP1 is on the minus strand). VCF-style: chr3-52404572-C-A. GRCh37 (hg19) VCF-style: chr3-52438588-C-A.
Other names: c.1077G>T, p.Leu359= (NM_001410772.1).
Identifiers: ClinVar variation 3379092 (VCV003379092.1).